The following is an entry in ClinVar:

ClinVar aggregate classification (germline): Conflicting classifications of pathogenicity. Review status: criteria provided, conflicting classifications (1 of 4 stars). 3 submissions from 3 submitters: Uncertain significance (2); Likely benign (1). Last evaluated 2023-03-23.

Conditions:
Hereditary breast ovarian cancer syndrome. Also called: Hereditary breast and ovarian cancer syndrome; Hereditary breast and ovarian cancer; Hereditary breast and ovarian cancer syndrome (HBOC); Breast and ovarian cancer; Hereditary breast and/or ovarian cancer syndrome; BRCA1- and BRCA2-Associated Hereditary Breast and Ovarian Cancer. Identifiers: Orphanet 145, MedGen C0677776, MeSH D061325, MONDO:0003582. Disease mechanism: loss of function.
Hereditary cancer-predisposing syndrome. Also called: Neoplastic Syndromes, Hereditary; Tumor predisposition; Hereditary Cancer Syndrome; Hereditary neoplastic syndrome. Identifiers: Orphanet 140162, MedGen C0027672, MeSH D009386, MONDO:0015356.

Submissions (3):

University of Washington Department of Laboratory Medicine, University of Washington
Classification: Likely benign for Hereditary cancer-predisposing syndrome. Last evaluated: 2023-03-23. Review status: criteria provided, single submitter. Criteria: Dines et al. (Genet Med. 2020). Collection method: curation. Allele origin: germline.
Comment: Missense variant in a coldspot region where missense variants are very unlikely to be pathogenic (PMID:31911673).

BRCA1 coldspot (exon 11 using historical exon numbering). Reclassification based on statistical prior probability

Labcorp Genetics (formerly Invitae), Labcorp
Classification: Uncertain significance for Hereditary breast ovarian cancer syndrome. Last evaluated: 2021-07-24. Review status: criteria provided, single submitter. Criteria: Invitae Variant Classification Sherloc (09022015). Collection method: clinical testing. Allele origin: germline.
Comment: This sequence change replaces alanine with glycine at codon 870 of the BRCA1 protein (p.Ala870Gly). The alanine residue is moderately conserved and there is a small physicochemical difference between alanine and glycine. This variant is not present in population databases (ExAC no frequency). This variant has not been reported in the literature in individuals affected with BRCA1-related conditions. ClinVar contains an entry for this variant (Variation ID: 482954). Advanced modeling of protein sequence and biophysical properties (such as structural, functional, and spatial information, amino acid conservation, physicochemical variation, residue mobility, and thermodynamic stability) performed at Invitae indicates that this missense variant is not expected to disrupt BRCA1 protein function. Algorithms developed to predict the effect of sequence changes on RNA splicing suggest that this variant may create or strengthen a splice site. In summary, the available evidence is currently insufficient to determine the role of this variant in disease. Therefore, it has been classified as a Variant of Uncertain Significance.

Ambry Genetics
Classification: Uncertain significance for Hereditary cancer-predisposing syndrome. Last evaluated: 2017-07-11. Review status: criteria provided, single submitter. Criteria: Ambry Variant Classification Scheme 2023. Collection method: clinical testing. Allele origin: germline.
Comment: The p.A870G variant (also known as c.2609C>G), located in coding exon 9 of the BRCA1 gene, results from a C to G substitution at nucleotide position 2609. The alanine at codon 870 is replaced by glycine, an amino acid with similar properties. This amino acid position is well conserved in available vertebrate species. In addition, the in silico prediction for this alteration is inconclusive. Since supporting evidence is limited at this time, the clinical significance of this alteration remains unclear.

NM_007294.4(BRCA1):c.2609C>G (p.Ala870Gly)

Gene: BRCA1 (BRCA1 DNA repair associated; minus strand). Cytogenetic location: 17q21.31.
Variant type: single nucleotide variant.
Coding change: c.2609C>G on transcript NM_007294.4 (MANE Select); coding-DNA position 2609, C replaced by G.
Protein change: p.Ala870Gly; replaces alanine 870 with glycine.
Molecular consequence: missense variant. On other transcripts: intron variant (137).
Genome position (GRCh38, 1-based): chr17:43,092,922, G>C on the plus strand (C>G on the coding strand, the complement: BRCA1 is on the minus strand). VCF-style: chr17-43092922-G-C. GRCh37 (hg19) VCF-style: chr17-41244939-G-C.
Other names: c.2465C>G, p.Ala822Gly (NM_001407839.1, NM_001407841.1, NM_001407842.1 and 20 more transcripts); c.2468C>G, p.Ala823Gly (NM_001407850.1, NM_001407851.1, NM_001407852.1 and 29 more transcripts); c.2396C>G, p.Ala799Gly (NM_001407853.1, NM_001407894.1, NM_001407895.1 and 9 more transcripts); c.2609C>G, p.Ala870Gly (NM_001407854.1, NM_001407858.1, NM_001407859.1 and 30 more transcripts); c.2606C>G, p.Ala869Gly (NM_001407860.1, NM_001407861.1, NM_001407587.1 and 22 more transcripts); c.2408C>G, p.Ala803Gly (NM_001407862.1); c.2486C>G, p.Ala829Gly (NM_001407863.1, NM_001407919.1, NM_001407937.1 and 19 more transcripts); c.2405C>G, p.Ala802Gly (NM_001407874.1, NM_001407875.1); and 41 more; short protein forms A870G, A823G, A742G, A758G, A829G, A759G, A781G, A802G.
Identifiers: ClinVar variation 482954 (VCV000482954.16), dbSNP rs1060502324, ClinGen allele CA10596776.